The following is an entry in ClinVar:

NM_182760.4(SUMF1):c.623A>G (p.His208Arg)

Gene: SUMF1 (sulfatase modifying factor 1; minus strand). Cytogenetic location: 3p26.1.
Variant type: single nucleotide variant.
Coding change: c.623A>G on transcript NM_182760.4 (MANE Select); coding-DNA position 623, A replaced by G.
Protein change: p.His208Arg; replaces histidine 208 with arginine.
Molecular consequence: missense variant.
Genome position (GRCh38, 1-based): chr3:4,418,112, T>C on the plus strand (A>G on the coding strand, the complement: SUMF1 is on the minus strand). VCF-style: chr3-4418112-T-C. GRCh37 (hg19) VCF-style: chr3-4459796-T-C.
Other names: c.548A>G, p.His183Arg (NM_001164674.2); c.623A>G, p.His208Arg (NM_001164675.2); short protein forms H208R, H183R.
Identifiers: ClinVar variation 1449693 (VCV001449693.6), dbSNP rs1346873498, ClinGen allele CA351632766.

ClinVar aggregate classification (germline): Uncertain significance (1 of 4 stars; one submission).

Conditions:
Multiple sulfatase deficiency (MSD). Also called: Mucosulfatidosis; Multiple Sulfatase Deficiency Disease; Sulfatidosis, Juvenile, Austin Type. Identifiers: Orphanet 585, MedGen C0268263, MONDO:0010088, OMIM 272200.

Allele frequency attached by ClinVar (database versions not stated): gnomAD 0.00001; TOPMed 0.00002.
gnomAD v4.1: 2 of 1,613,762 alleles (0.00012%); highest among the groups gnomAD compares: Non-Finnish European, 0.00017%; no homozygotes.

Submission:

Labcorp Genetics (formerly Invitae), Labcorp
Classification: Uncertain significance for Multiple sulfatase deficiency. Last evaluated: 2023-12-11. Review status: criteria provided, single submitter. Criteria: Invitae Variant Classification Sherloc (09022015). Collection method: clinical testing. Allele origin: germline.
Comment: This sequence change replaces histidine, which is basic and polar, with arginine, which is basic and polar, at codon 208 of the SUMF1 protein (p.His208Arg). This variant is not present in population databases (gnomAD no frequency). This variant has not been reported in the literature in individuals affected with SUMF1-related conditions. ClinVar contains an entry for this variant (Variation ID: 1449693). Advanced modeling of protein sequence and biophysical properties (such as structural, functional, and spatial information, amino acid conservation, physicochemical variation, residue mobility, and thermodynamic stability) performed at Invitae indicates that this missense variant is expected to disrupt SUMF1 protein function with a positive predictive value of 80%. In summary, the available evidence is currently insufficient to determine the role of this variant in disease. Therefore, it has been classified as a Variant of Uncertain Significance.